The following is an entry in ClinVar:

NM_016604.4(KDM3B):c.474+1G>C

Gene: KDM3B (lysine demethylase 3B; plus strand). Cytogenetic location: 5q31.2.
Variant type: single nucleotide variant.
Coding change: c.474+1G>C on transcript NM_016604.4 (MANE Select); the canonical splice donor site of the intron after coding-DNA position 474, G replaced by C.
Molecular consequence: splice donor variant.
Genome position (GRCh38, 1-based): chr5:138,375,207, G>C. VCF-style: chr5-138375207-G-C. GRCh37 (hg19) VCF-style: chr5-137710896-G-C.
Identifiers: ClinVar variation 985344 (VCV000985344.5), dbSNP rs1761966500, ClinGen allele CA361096230.

ClinVar aggregate classification (germline): Uncertain significance (1 of 4 stars; one submission).

Conditions:
Inborn genetic diseases. Identifiers: MedGen C0950123, MeSH D030342.

Submission:

Ambry Genetics
Classification: Uncertain significance for Inborn genetic diseases. Last evaluated: 2020-04-29. Review status: criteria provided, single submitter. Criteria: Ambry Variant Classification Scheme 2023. Collection method: clinical testing. Allele origin: germline.
Comment: The alteration is predicted to abolish the native donor splice site: _x000D_ _x000D_ The c.474+1G>C intronic alteration results from a G to C substitution one nucleotide after coding exon 3 of the KDM3B gene. Based on BDGP and ESEfinder splice site in silico tools, this alteration is predicted to abolish the native splice donor site; however, direct evidence is unavailable. Alterations that disrupt the canonical splice site are expected to cause aberrant splicing, resulting in an abnormal protein or a transcript that is subject to nonsense-mediated mRNA decay (Maquat, 2004); however, this alteration is predicted to result in the in-frame skipping of a single exon, is not expected to trigger nonsense-mediated decay, and would impact only 2% of the protein. The alteration is not observed in population databases:_x000D_ _x000D_ Based on data from the Genome Aggregation Database (gnomAD), the KDM3B c.474+1G>C alteration was not observed, with coverage at this position. The altered nucleotide is conserved throughout evolution:_x000D_ _x000D_ The c.474+1G nucleotide is conserved in available vertebrate species. Based on insufficient or conflicting evidence, the clinical significance of this alteration remains unclear.